The following is an entry in ClinVar:

ClinVar aggregate classification (germline): Likely benign. Review status: criteria provided, single submitter (1 of 4 stars). 2 submissions from 2 submitters: Likely benign (1). 1 of the submissions does not count toward it. Last evaluated 2023-03-23.

Conditions:
Hereditary cancer-predisposing syndrome. Also called: Neoplastic Syndromes, Hereditary; Tumor predisposition; Hereditary Cancer Syndrome; Hereditary neoplastic syndrome. Identifiers: Orphanet 140162, MedGen C0027672, MeSH D009386, MONDO:0015356.
Familial cancer of breast. Also called: BREAST CANCER, FAMILIAL; Hereditary breast cancer; hereditary breast carcinoma. Identifiers: Orphanet 227535, MedGen C0346153, MONDO:0016419, OMIM 114480. Disease mechanism: loss of function.

Submissions (2):

University of Washington Department of Laboratory Medicine, University of Washington
Classification: Likely benign for Hereditary cancer-predisposing syndrome. Last evaluated: 2023-03-23. Review status: criteria provided, single submitter. Criteria: Dines et al. (Genet Med. 2020). Collection method: curation. Allele origin: germline.
Comment: Missense variant in a coldspot region where missense variants are very unlikely to be pathogenic (PMID:31911673).

BRCA2 exon 11 coldspot. Reclassification based on statistical prior probability.

ClinVar Staff, National Center for Biotechnology Information (NCBI)
No classification provided. Condition: Familial cancer of breast. Review status: no classification provided. Collection method: literature only. Allele origin: germline. Affected: yes. Not counted in ClinVar's aggregate classification.

Literature cited by the submitters: PubMed 12373604 (cited by ClinVar Staff, National Center for Biotechnology Information (NCBI)).

NM_000059.4(BRCA2):c.6384A>C (p.Lys2128Asn)

Gene: BRCA2 (BRCA2 DNA repair associated; plus strand). Cytogenetic location: 13q13.1.
Variant type: single nucleotide variant.
Coding change: c.6384A>C on transcript NM_000059.4 (MANE Select); coding-DNA position 6384, A replaced by C.
Protein change: p.Lys2128Asn; replaces lysine 2128 with asparagine.
Molecular consequence: missense variant.
Genome position (GRCh38, 1-based): chr13:32,340,739, A>C. VCF-style: chr13-32340739-A-C. GRCh37 (hg19) VCF-style: chr13-32914876-A-C.
Other names: short protein forms K2128N.
Identifiers: ClinVar variation 52078 (VCV000052078.4), dbSNP rs397507847, ClinGen allele CA023970.